The following is an entry in ClinVar:

NM_000170.3(GLDC):c.2200C>T (p.Gln734Ter)

Gene: GLDC (glycine decarboxylase; minus strand). Cytogenetic location: 9p24.1.
Variant type: single nucleotide variant.
Coding change: c.2200C>T on transcript NM_000170.3 (MANE Select); coding-DNA position 2200, C replaced by T.
Protein change: p.Gln734Ter; replaces glutamine 734 with a stop codon.
Molecular consequence: nonsense.
Genome position (GRCh38, 1-based): chr9:6,556,155, G>A on the plus strand (C>T on the coding strand, the complement: GLDC is on the minus strand). VCF-style: chr9-6556155-G-A. GRCh37 (hg19) VCF-style: chr9-6556155-G-A.
Other names: short protein forms Q734*.
Identifiers: ClinVar variation 4817858 (VCV004817858.1).

ClinVar aggregate classification (germline): Likely pathogenic (1 of 4 stars; one submission).

Conditions:
Glycine encephalopathy. Also called: Nonketotic hyperglycinemia; Non-ketotic hyperglycinemia. Identifiers: Orphanet 407, MedGen C0751748, MONDO:0011612, HP:0008288.

gnomAD v4.1: 4 of 1,611,298 alleles (0.00025%); highest among the groups gnomAD compares: Non-Finnish European, 0.00025%; no homozygotes.

Submission:

Natera, Inc.
Classification: Likely pathogenic for Non-ketotic hyperglycinemia. Last evaluated: 2024-08-29. Review status: criteria provided, single submitter. Criteria: Natera Variant Classification Schema (03/2026). Collection method: clinical testing. Allele origin: germline.
Comment: The c.2200C>T variant in GLDC is a nonsense variant predicted to introduce a stop codon at amino acid 734. This variant is expected to result in nonsense mediated decay, truncation, or a dysfunctional protein product. This variant is rare in the general population with a frequency below the threshold expected for the associated phenotype(s). Given the available evidence, this variant is classified as Likely Pathogenic.